The following is an entry in ClinVar:

NM_199355.4(ADAMTS18):c.2889C>T (p.Pro963=)

Gene: ADAMTS18 (ADAM metallopeptidase with thrombospondin type 1 motif 18; minus strand). Cytogenetic location: 16q23.1.
Variant type: single nucleotide variant.
Coding change: c.2889C>T on transcript NM_199355.4 (MANE Select); coding-DNA position 2889, C replaced by T.
Protein change: p.Pro963=; no amino-acid change (proline 963 retained).
Molecular consequence: synonymous variant.
Genome position (GRCh38, 1-based): chr16:77,295,040, G>A on the plus strand (C>T on the coding strand, the complement: ADAMTS18 is on the minus strand). VCF-style: chr16-77295040-G-A. GRCh37 (hg19) VCF-style: chr16-77328937-G-A.
Other names: c.2373C>T, p.Pro791= (NM_001326358.2); c.2889C>T (NM_199355.3).
Identifiers: ClinVar variation 1554609 (VCV001554609.11), dbSNP rs747237534, ClinGen allele CA8180706.
Genomic context (GRCh38, chr16:77,295,040, plus strand): 5'-GACCTGAGTGGGTGTGCTCACTGGACAGAGAGAATGCAACACTGCTTCCTCCTTTTGGAA[G>A]GGCTTCTTTTGCACACACTGGATCTTTCGGCTCTGCTGGCCTCCAGCACAGGCCTTGCTG-3'
Protein context (NP_955387.1, residues 953-973): SRKIQCVQKK[Pro963=]FQKEEAVLHS

ClinVar aggregate classification (germline): Likely benign. Review status: criteria provided, multiple submitters, no conflicts (2 of 4 stars). 3 submissions from 3 submitters: Likely benign (2). 1 of the submissions does not count toward it. Last evaluated 2024-12-03.

Conditions:
ADAMTS18-related disorder. Also called: ADAMTS18-related condition.

Allele frequency attached by ClinVar (database versions not stated): ExAC 0.00001; gnomAD 0.00002; gnomAD exomes 0.00002 and 0.00005; TOPMed 0.00002.
gnomAD v4.1: 74 of 1,614,072 alleles (0.0046%); highest among the groups gnomAD compares: Non-Finnish European, 0.0059%; no homozygotes.

Submissions (3):

Labcorp Genetics (formerly Invitae), Labcorp
Classification: Likely benign. Last evaluated: 2024-12-03. Review status: criteria provided, single submitter. Criteria: Invitae Variant Classification Sherloc (09022015). Collection method: clinical testing. Allele origin: germline.

Blueprint Genetics
Classification: Likely benign. Last evaluated: 2021-01-20. Review status: criteria provided, single submitter. Criteria: ACMG Guidelines, 2015. Collection method: clinical testing. Allele origin: germline.

PreventionGenetics, part of Exact Sciences
Classification: Likely benign for ADAMTS18-related condition. Last evaluated: 2019-07-24. Review status: no assertion criteria provided. Collection method: clinical testing. Allele origin: germline. Not counted in ClinVar's aggregate classification.
Comment: This variant is classified as likely benign based on ACMG/AMP sequence variant interpretation guidelines (Richards et al. 2015 PMID: 25741868, with internal and published modifications).